The following is an entry in ClinVar:

NM_025074.7(FRAS1):c.11178T>C (p.Leu3726=)

Gene: FRAS1 (Fraser extracellular matrix complex subunit 1; plus strand). Cytogenetic location: 4q21.21.
Variant type: single nucleotide variant.
Coding change: c.11178T>C on transcript NM_025074.7 (MANE Select); coding-DNA position 11178, T replaced by C.
Protein change: p.Leu3726=; no amino-acid change (leucine 3726 retained).
Molecular consequence: synonymous variant.
Genome position (GRCh38, 1-based): chr4:78,537,080, T>C. VCF-style: chr4-78537080-T-C. GRCh37 (hg19) VCF-style: chr4-79458234-T-C.
Identifiers: ClinVar variation 709408 (VCV000709408.29), dbSNP rs373408305, ClinGen allele CA2979159.

ClinVar aggregate classification (germline): Likely benign. Review status: criteria provided, multiple submitters, no conflicts (2 of 4 stars). 3 submissions from 3 submitters: Likely benign (3). Last evaluated 2025-12-17.

Allele frequency attached by ClinVar (database versions not stated): gnomAD exomes 0.00001 and 0.00004; ExAC 0.00002; ESP Exome Variant Server 0.00008; gnomAD 0.00014 and 0.00016; TOPMed 0.00018.
gnomAD v4.1: 42 of 1,613,922 alleles (0.0026%); highest among the groups gnomAD compares: African/African-American, 0.052%; no homozygotes.

Submissions (3):

Labcorp Genetics (formerly Invitae), Labcorp
Classification: Likely benign. Last evaluated: 2025-12-17. Review status: criteria provided, single submitter. Criteria: Invitae Variant Classification Sherloc (09022015). Collection method: clinical testing. Allele origin: germline.

CeGaT Center for Human Genetics Tuebingen
Classification: Likely benign. Last evaluated: 2024-01-01. Review status: criteria provided, single submitter. Criteria: CeGaT Center For Human Genetics Tuebingen Variant Classification Criteria Version 2. Collection method: clinical testing. Allele origin: germline. Affected: yes. Observed: 1 variant allele.
Comment: FRAS1: BP4, BP7

Blueprint Genetics
Classification: Likely benign. Last evaluated: 2023-12-01. Review status: criteria provided, single submitter. Criteria: ACMG Guidelines, 2015. Collection method: clinical testing. Allele origin: germline.